The following is an entry in ClinVar:

NM_001113378.2(FANCI):c.3187-3C>G

Gene: FANCI (FA complementation group I; plus strand). Cytogenetic location: 15q26.1.
Variant type: single nucleotide variant.
Coding change: c.3187-3C>G on transcript NM_001113378.2 (MANE Select); 3 bases into the intron before coding-DNA position 3187, C replaced by G.
Molecular consequence: intron variant.
Genome position (GRCh38, 1-based): chr15:89,305,338, C>G. VCF-style: chr15-89305338-C-G. GRCh37 (hg19) VCF-style: chr15-89848569-C-G.
Other names: c.3007-3C>G (NM_018193.3); c.3187-3C>G (NM_001376911.1); c.2908-3C>G (NM_001376910.1).
Identifiers: ClinVar variation 843568 (VCV000843568.9), dbSNP rs2054676661, ClinGen allele CA916081750.

ClinVar aggregate classification (germline): Uncertain significance (1 of 4 stars; one submission).

Conditions:
Fanconi anemia (FA). Also called: Fanconi's anemia. Identifiers: Orphanet 84, MedGen C0015625, MeSH D005199, MONDO:0019391.

Submission:

Labcorp Genetics (formerly Invitae), Labcorp
Classification: Uncertain significance for Fanconi anemia. Last evaluated: 2019-03-28. Review status: criteria provided, single submitter. Criteria: Invitae Variant Classification Sherloc (09022015). Collection method: clinical testing. Allele origin: germline.
Comment: In summary, the available evidence is currently insufficient to determine the role of this variant in disease. Therefore, it has been classified as a Variant of Uncertain Significance. This sequence change falls in intron 29 of the FANCI gene. It does not directly change the encoded amino acid sequence of the FANCI protein, but it affects a nucleotide within the consensus splice site of the intron. This variant is not present in population databases (ExAC no frequency). This variant has not been reported in the literature in individuals with FANCI-related conditions. Nucleotide substitutions within the consensus splice site are a relatively common cause of aberrant splicing (PMID: 17576681, 9536098). Algorithms developed to predict the effect of sequence changes on RNA splicing suggest that this variant may disrupt the consensus splice site, but this prediction has not been confirmed by published transcriptional studies.

Literature cited by the submitters: PubMed 17576681; PubMed 9536098.